The following is an entry in ClinVar:

NM_001077653.2(TBX20):c.322_323delinsCT (p.Glu108Leu)

Gene: TBX20 (T-box transcription factor 20; minus strand). Cytogenetic location: 7p14.2.
Variant type: Indel.
Coding change: c.322_323delinsCT on transcript NM_001077653.2 (MANE Select); coding-DNA positions 322 to 323, GA replaced by CT.
Protein change: p.Glu108Leu; replaces glutamic acid 108 with leucine.
Molecular consequence: missense variant.
Genome position (GRCh38, 1-based): chr7:35,250,008-35,250,009, TC replaced by AG on the plus strand (GA replaced by CT on the coding strand, the reverse complement: TBX20 is on the minus strand). VCF-style: chr7-35250008-TC-AG. GRCh37 (hg19) VCF-style: chr7-35289620-TC-AG.
Other names: c.322_323delinsCT, p.Glu108Leu (NM_001166220.1); short protein forms E108L.
Identifiers: ClinVar variation 4731433 (VCV004731433.1).
Genomic context (GRCh38, chr7:35,250,008, plus strand): 5'-TACCTGCCCGACTTGGTGATGATCATCTCGGTGCCCAGCTCATGGAATTTGTCCCAAAGC[TC>AG]CTTGGTCTCCAGGCTGCAGGCAATTTTGGCCATTTCCTCACTGGGGATGATGGGGGTGGT-3'
Protein context (NP_001071121.1, residues 98-118): AKIACSLETK[Glu108Leu]LWDKFHELGT

ClinVar aggregate classification (germline): Uncertain significance (1 of 4 stars; one submission).

Submission:

Labcorp Genetics (formerly Invitae), Labcorp
Classification: Uncertain significance. Last evaluated: 2025-11-18. Review status: criteria provided, single submitter. Criteria: Invitae Variant Classification Sherloc (09022015). Collection method: clinical testing. Allele origin: germline.
Comment: This sequence change replaces glutamic acid, which is acidic and polar, with leucine, which is neutral and non-polar, at codon 108 of the TBX20 protein (p.Glu108Leu). Information on the frequency of this variant in the gnomAD database is not available, as this variant may be reported differently in the database. This variant has not been reported in the literature in individuals affected with TBX20-related conditions. An algorithm developed to predict the effect of missense changes on protein structure and function (PolyPhen-2) suggests that this variant is likely to be disruptive. In summary, the available evidence is currently insufficient to determine the role of this variant in disease. Therefore, it has been classified as a Variant of Uncertain Significance.